The following is an entry in ClinVar:

ClinVar aggregate classification (germline): Likely benign. Review status: criteria provided, multiple submitters, no conflicts (2 of 4 stars). 4 submissions from 4 submitters: Likely benign (4). Last evaluated 2026-04-01.

Conditions:
Fanconi anemia (FA). Also called: Fanconi's anemia. Identifiers: Orphanet 84, MedGen C0015625, MeSH D005199, MONDO:0019391.
Inborn genetic diseases. Identifiers: MedGen C0950123, MeSH D030342.

Allele frequency attached by ClinVar (database versions not stated): gnomAD exomes below 0.00001; TOPMed 0.00001.

Submissions (4):

CeGaT Center for Human Genetics Tuebingen
Classification: Likely benign. Last evaluated: 2026-04-01. Review status: criteria provided, single submitter. Criteria: CeGaT Center For Human Genetics Tuebingen Variant Classification Criteria Version 2. Collection method: clinical testing. Allele origin: germline. Affected: yes. Observed: 1 variant allele.
Comment: FANCM: BP4, BP7

Ambry Genetics
Classification: Likely benign for Inborn genetic diseases. Last evaluated: 2024-11-25. Review status: criteria provided, single submitter. Criteria: Ambry Variant Classification Scheme 2023. Collection method: clinical testing. Allele origin: germline.

Blueprint Genetics
Classification: Likely benign. Last evaluated: 2024-11-25. Review status: criteria provided, single submitter. Criteria: ACMG Guidelines, 2015. Collection method: clinical testing. Allele origin: germline.

Labcorp Genetics (formerly Invitae), Labcorp
Classification: Likely benign for Fanconi anemia. Last evaluated: 2023-10-18. Review status: criteria provided, single submitter. Criteria: Invitae Variant Classification Sherloc (09022015). Collection method: clinical testing. Allele origin: germline.

NM_020937.4(FANCM):c.2148G>A (p.Glu716=)

Gene: FANCM (FA complementation group M; plus strand). Cytogenetic location: 14q21.2.
Variant type: single nucleotide variant.
Coding change: c.2148G>A on transcript NM_020937.4 (MANE Select); coding-DNA position 2148, G replaced by A.
Protein change: p.Glu716=; no amino-acid change (glutamic acid 716 retained).
Molecular consequence: synonymous variant.
Genome position (GRCh38, 1-based): chr14:45,170,734, G>A. VCF-style: chr14-45170734-G-A. GRCh37 (hg19) VCF-style: chr14-45639937-G-A.
Other names: c.2070G>A, p.Glu690= (NM_001308133.2).
Identifiers: ClinVar variation 1947579 (VCV001947579.9), dbSNP rs1888285925, ClinGen allele CA486140122.